The following is an entry in ClinVar:

NM_001271.4(CHD2):c.1719G>A (p.Thr573=)

Gene: CHD2 (chromodomain helicase DNA binding protein 2; plus strand). Cytogenetic location: 15q26.1.
Variant type: single nucleotide variant.
Coding change: c.1719G>A on transcript NM_001271.4 (MANE Select); coding-DNA position 1719, G replaced by A.
Protein change: p.Thr573=; no amino-acid change (threonine 573 retained).
Molecular consequence: synonymous variant.
Genome position (GRCh38, 1-based): chr15:92,953,573, G>A. VCF-style: chr15-92953573-G-A. GRCh37 (hg19) VCF-style: chr15-93496803-G-A.
Identifiers: ClinVar variation 374747 (VCV000374747.48), dbSNP rs1057519228, ClinGen allele CA16043877.
Genomic context (GRCh38, chr15:92,953,573, plus strand): 5'-AATCTGGGCACCAGAGATTAACGTAGTGGTTTACATAGGTGACCTGATGAGCAGAAATAC[G>A]GTGTGTAAACAAAAAGAGCTGGGTTAGAATCTGTGTTATAAATGTAATTTAGAAATTCAC-3'
Protein context (NP_001262.3, residues 563-583): VYIGDLMSRN[Thr573=]IREYEWIHSQ

ClinVar aggregate classification (germline): Pathogenic/Likely pathogenic. Review status: criteria provided, multiple submitters, no conflicts (2 of 4 stars). 3 submissions from 3 submitters: Pathogenic (1); Likely pathogenic (2). Last evaluated 2026-02-23.

Conditions:
Developmental and epileptic encephalopathy 94 (DEE94). Also called: CHD2-Related Neurodevelopmental Disorders; Epileptic encephalopathy, childhood-onset. Identifiers: Orphanet 1942, Orphanet 2382, MedGen C3809278, MONDO:0014150, OMIM 615369.

Submissions (3):

GeneDx
Classification: Likely pathogenic. Last evaluated: 2026-02-23. Review status: criteria provided, single submitter. Criteria: GeneDx Variant Classification Process June 2021. Collection method: clinical testing. Allele origin: germline.
Comment: Not observed at significant frequency in large population cohorts (gnomAD); In silico analysis supports a deleterious effect on splicing; This variant is associated with the following publications: (PMID: 34926809, 36034301)

Labcorp Genetics (formerly Invitae), Labcorp
Classification: Pathogenic for Developmental and epileptic encephalopathy 94. Last evaluated: 2025-11-27. Review status: criteria provided, single submitter. Criteria: Invitae Variant Classification Sherloc (09022015). Collection method: clinical testing. Allele origin: germline.
Comment: This sequence change affects codon 573 of the CHD2 mRNA. It is a 'silent' change, meaning that it does not change the encoded amino acid sequence of the CHD2 protein. This variant also falls at the last nucleotide of exon 14, which is part of the consensus splice site for this exon. This variant is not present in population databases (gnomAD no frequency). This variant has been observed in individual(s) with childhood-onset epileptic encephalopathy (internal data). In at least one individual the variant was observed to be de novo. ClinVar contains an entry for this variant (Variation ID: 374747). Variants that disrupt the consensus splice site are a relatively common cause of aberrant splicing (PMID: 17576681, 9536098). Algorithms developed to predict the effect of sequence changes on RNA splicing suggest that this variant may disrupt the consensus splice site. For these reasons, this variant has been classified as Pathogenic.

CeGaT Center for Human Genetics Tuebingen
Classification: Likely pathogenic. Last evaluated: 2016-09-01. Review status: criteria provided, single submitter. Criteria: CeGaT Center For Human Genetics Tuebingen Variant Classification Criteria Version 2. Collection method: clinical testing. Allele origin: germline. Affected: yes. Observed: 1 variant allele.

Literature cited by the submitters: PubMed 17576681 (cited by Labcorp Genetics (formerly Invitae), Labcorp); PubMed 9536098 (cited by Labcorp Genetics (formerly Invitae), Labcorp).